The following is an entry in ClinVar:

NM_001354435.2(C4orf54):c.1518C>T (p.Ala506=)

Gene: C4orf54 (chromosome 4 open reading frame 54; minus strand). Cytogenetic location: 4q23.
Variant type: single nucleotide variant.
Coding change: c.1518C>T on transcript NM_001354435.2 (MANE Select); coding-DNA position 1518, C replaced by T.
Protein change: p.Ala506=; no amino-acid change (alanine 506 retained).
Molecular consequence: synonymous variant.
Genome position (GRCh38, 1-based): chr4:99,653,131, G>A on the plus strand (C>T on the coding strand, the complement: C4orf54 is on the minus strand). VCF-style: chr4-99653131-G-A. GRCh37 (hg19) VCF-style: chr4-100574288-G-A.
Identifiers: ClinVar variation 1695100 (VCV001695100.31), dbSNP rs749105296, ClinGen allele CA3022676.

ClinVar aggregate classification (germline): Likely benign (1 of 4 stars; one submission).

Allele frequency attached by ClinVar (database versions not stated): 1000 Genomes Project 30x 0.00047; ExAC 0.00080; gnomAD exomes 0.00207.
gnomAD v4.1: 5,186 of 1,536,148 alleles (0.34%); highest among the groups gnomAD compares: Non-Finnish European, 0.4%; 15 homozygotes.

Submission:

CeGaT Center for Human Genetics Tuebingen
Classification: Likely benign. Last evaluated: 2022-05-01. Review status: criteria provided, single submitter. Criteria: CeGaT Center For Human Genetics Tuebingen Variant Classification Criteria Version 2. Collection method: clinical testing. Allele origin: germline. Affected: yes. Observed: 1 variant allele.
Comment: C4orf54: BP4, BP7